The following is an entry in ClinVar:

ClinVar aggregate classification (germline): Uncertain significance (1 of 4 stars; one submission).

Submission:

GeneDx
Classification: Uncertain significance. Last evaluated: 2024-07-16. Review status: criteria provided, single submitter. Criteria: GeneDx Variant Classification Process June 2021. Collection method: clinical testing. Allele origin: germline. Affected: yes.
Comment: Not observed at significant frequency in large population cohorts (gnomAD); In silico analysis supports that this missense variant has a deleterious effect on protein structure/function; Has not been previously published as pathogenic or benign to our knowledge

NM_001145026.2(PTPRQ):c.5858A>G (p.Lys1953Arg)

Gene: PTPRQ (protein tyrosine phosphatase receptor type Q; plus strand). Cytogenetic location: 12q21.31.
Variant type: single nucleotide variant.
Coding change: c.5858A>G on transcript NM_001145026.2 (MANE Select); coding-DNA position 5858, A replaced by G.
Protein change: p.Lys1953Arg; replaces lysine 1953 with arginine.
Molecular consequence: missense variant.
Genome position (GRCh38, 1-based): chr12:80,635,016, A>G. VCF-style: chr12-80635016-A-G. GRCh37 (hg19) VCF-style: chr12-81028795-A-G.
Other names: short protein forms K1953R.
Identifiers: ClinVar variation 3573715 (VCV003573715.1).